The following is an entry in ClinVar:

ClinVar aggregate classification (germline): Uncertain significance (1 of 4 stars; one submission).

Conditions:
Diamond-Blackfan anemia. Also called: Blackfan Diamond syndrome; Aregenerative anemia chronic congenital; Red cell aplasia, pure hereditary; Congenital hypoplastic anemia; Aase syndrome. Identifiers: Orphanet 124, MedGen C1260899, MeSH D029503, MONDO:0015253, HP:0004810.

Allele frequency attached by ClinVar (database versions not stated): ExAC 0.00001.

Submission:

Labcorp Genetics (formerly Invitae), Labcorp
Classification: Uncertain significance for Diamond-Blackfan anemia. Last evaluated: 2022-11-13. Review status: criteria provided, single submitter. Criteria: Invitae Variant Classification Sherloc (09022015). Collection method: clinical testing. Allele origin: germline.
Comment: In summary, the available evidence is currently insufficient to determine the role of this variant in disease. Therefore, it has been classified as a Variant of Uncertain Significance. Algorithms developed to predict the effect of missense changes on protein structure and function are either unavailable or do not agree on the potential impact of this missense change (SIFT: "Deleterious"; PolyPhen-2: "Benign"; Align-GVGD: "Class C0"). This variant has not been reported in the literature in individuals affected with RPS10-related conditions. This variant is present in population databases (rs756244110, gnomAD 0.006%). This sequence change replaces alanine, which is neutral and non-polar, with threonine, which is neutral and polar, at codon 36 of the RPS10 protein (p.Ala36Thr).

NM_001014.5(RPS10):c.106G>A (p.Ala36Thr)

Genes: RPS10 (ribosomal protein S10; minus strand), RPS10-NUDT3 (RPS10-NUDT3 readthrough; minus strand). Cytogenetic location: 6p21.31.
Variant type: single nucleotide variant.
Coding change: c.106G>A on transcript NM_001014.5 (MANE Select); coding-DNA position 106, G replaced by A.
Protein change: p.Ala36Thr; replaces alanine 36 with threonine.
Molecular consequence: missense variant.
Genome position (GRCh38, 1-based): chr6:34,425,116, C>T on the plus strand (G>A on the coding strand, the complement: RPS10 is on the minus strand). VCF-style: chr6-34425116-C-T. GRCh37 (hg19) VCF-style: chr6-34392893-C-T.
Other names: c.106G>A, p.Ala36Thr (NM_001202470.3, NM_001203245.3, NM_001204091.2); short protein forms A36T.
Identifiers: ClinVar variation 2963862 (VCV002963862.3), dbSNP rs756244110, ClinGen allele CA3765134.